The following is an entry in ClinVar:

ClinVar aggregate classification (germline): Conflicting classifications of pathogenicity. Review status: criteria provided, conflicting classifications (1 of 4 stars). 4 submissions from 4 submitters: Uncertain significance (3); Likely benign (1). Last evaluated 2025-05-29.

Conditions:
Hereditary cancer-predisposing syndrome. Also called: Neoplastic Syndromes, Hereditary; Hereditary Cancer Syndrome; Tumor predisposition; Hereditary neoplastic syndrome. Identifiers: Orphanet 140162, MedGen C0027672, MeSH D009386, MONDO:0015356.
Hereditary breast ovarian cancer syndrome. Also called: BRCA1- and BRCA2-Associated Hereditary Breast and Ovarian Cancer; Hereditary breast and ovarian cancer syndrome; Hereditary breast and ovarian cancer syndrome (HBOC); Breast and ovarian cancer; Hereditary breast and ovarian cancer; Hereditary breast and/or ovarian cancer syndrome. Identifiers: Orphanet 145, MedGen C0677776, MeSH D061325, MONDO:0003582. Disease mechanism: loss of function.
BRCA2-related disorder. Also called: BRCA2-related condition; BRCA2-related disorders. Identifiers: MedGen CN239275.

Allele frequency attached by ClinVar (database versions not stated): gnomAD exomes below 0.00001.
gnomAD v4.1: 1 of 1,569,234 alleles (0.000064%); highest among the groups gnomAD compares: African/African-American, 0.0014%; no homozygotes.

Submissions (4):

PreventionGenetics, part of Exact Sciences
Classification: Uncertain significance for BRCA2-related condition. Last evaluated: 2025-05-29. Review status: criteria provided, single submitter. Criteria: ACMG Guidelines, 2015. Collection method: clinical testing. Allele origin: germline.
Comment: The BRCA2 c.3926T>C variant is predicted to result in the amino acid substitution p.Ile1309Thr. To our knowledge, this variant has not been reported in the literature or in a large population database (gnomAD), indicating this variant is rare, and is interpreted as variant of uncertain significance in ClinVar. This variant occurs within a region of the BRCA2 gene that is predicted to be tolerant to missense variation (Table 2, Dines et al. 2020. PubMed ID: 31911673). At this time, the clinical significance of this variant is uncertain due to the absence of conclusive functional and genetic evidence.

Labcorp Genetics (formerly Invitae), Labcorp
Classification: Uncertain significance for Hereditary breast ovarian cancer syndrome. Last evaluated: 2024-10-24. Review status: criteria provided, single submitter. Criteria: Invitae Variant Classification Sherloc (09022015). Collection method: clinical testing. Allele origin: germline.
Comment: This sequence change replaces isoleucine, which is neutral and non-polar, with threonine, which is neutral and polar, at codon 1309 of the BRCA2 protein (p.Ile1309Thr). This variant is not present in population databases (gnomAD no frequency). This variant has not been reported in the literature in individuals affected with BRCA2-related conditions. ClinVar contains an entry for this variant (Variation ID: 857167). Invitae Evidence Modeling of protein sequence and biophysical properties (such as structural, functional, and spatial information, amino acid conservation, physicochemical variation, residue mobility, and thermodynamic stability) indicates that this missense variant is not expected to disrupt BRCA2 protein function with a negative predictive value of 95%. In summary, the available evidence is currently insufficient to determine the role of this variant in disease. Therefore, it has been classified as a Variant of Uncertain Significance.

Ambry Genetics
Classification: Uncertain significance for Hereditary cancer-predisposing syndrome. Last evaluated: 2024-10-13. Review status: criteria provided, single submitter. Criteria: Ambry Variant Classification Scheme 2023. Collection method: clinical testing. Allele origin: germline.
Comment: The p.I1309T variant (also known as c.3926T>C), located in coding exon 10 of the BRCA2 gene, results from a T to C substitution at nucleotide position 3926. The isoleucine at codon 1309 is replaced by threonine, an amino acid with similar properties. This amino acid position is conserved. In addition, this alteration is predicted to be tolerated by in silico analysis. Since supporting evidence is limited at this time, the clinical significance of this alteration remains unclear.

University of Washington Department of Laboratory Medicine, University of Washington
Classification: Likely benign for Hereditary cancer-predisposing syndrome. Last evaluated: 2023-03-23. Review status: criteria provided, single submitter. Criteria: Dines et al. (Genet Med. 2020). Collection method: curation. Allele origin: germline.
Comment: Missense variant in a coldspot region where missense variants are very unlikely to be pathogenic (PMID:31911673).

BRCA2 exon 11 coldspot. Reclassification based on statistical prior probability.

NM_000059.4(BRCA2):c.3926T>C (p.Ile1309Thr)

Gene: BRCA2 (BRCA2 DNA repair associated; plus strand). Cytogenetic location: 13q13.1.
Variant type: single nucleotide variant.
Coding change: c.3926T>C on transcript NM_000059.4 (MANE Select); coding-DNA position 3926, T replaced by C.
Protein change: p.Ile1309Thr; replaces isoleucine 1309 with threonine.
Molecular consequence: missense variant.
Genome position (GRCh38, 1-based): chr13:32,338,281, T>C. VCF-style: chr13-32338281-T-C. GRCh37 (hg19) VCF-style: chr13-32912418-T-C.
Other names: short protein forms I1309T.
Identifiers: ClinVar variation 857167 (VCV000857167.13), dbSNP rs1566229403, ClinGen allele CA387778839.
Genomic context (GRCh38, chr13:32,338,281, plus strand): 5'-AATGCCAACTGATATTACAAAATAATATTGAAATGACTACTGGCACTTTTGTTGAAGAAA[T>C]TACTGAAAATTACAAGAGAAATACTGAAAATGAAGATAACAAATATACTGCTGCCAGTAG-3'
Protein context (NP_000050.3, residues 1299-1319): EMTTGTFVEE[Ile1309Thr]TENYKRNTEN